The following is an entry in ClinVar:

ClinVar aggregate classification (germline): Likely benign (1 of 4 stars; one submission).

Allele frequency attached by ClinVar (database versions not stated): gnomAD exomes below 0.00001; gnomAD 0.00001; TOPMed 0.00002; ESP Exome Variant Server 0.00008.
gnomAD v4.1: 5 of 1,613,888 alleles (0.00031%); highest among the groups gnomAD compares: African/African-American, 0.0053%; no homozygotes.

Submission:

GeneDx
Classification: Likely benign. Last evaluated: 2018-04-06. Review status: criteria provided, single submitter. Criteria: GeneDx Variant Classification (06012015). Collection method: clinical testing. Allele origin: germline. Affected: yes.
Comment: This variant is considered likely benign or benign based on one or more of the following criteria: it is a conservative change, it occurs at a poorly conserved position in the protein, it is predicted to be benign by multiple in silico algorithms, and/or has population frequency not consistent with disease.

NM_006886.4(ATP5F1E):c.117T>A (p.Ser39=)

Genes: ATP5F1E (ATP synthase F1 subunit epsilon; minus strand), SLMO2-ATP5E (SLMO2-ATP5E readthrough; minus strand). Cytogenetic location: 20q13.32.
Variant type: single nucleotide variant.
Coding change: c.117T>A on transcript NM_006886.4 (MANE Select); coding-DNA position 117, T replaced by A.
Protein change: p.Ser39=; no amino-acid change (serine 39 retained).
Molecular consequence: synonymous variant. On other transcripts: non-coding transcript variant (2).
Genome position (GRCh38, 1-based): chr20:59,030,345, A>T on the plus strand (T>A on the coding strand, the complement: ATP5F1E is on the minus strand). VCF-style: chr20-59030345-A-T. GRCh37 (hg19) VCF-style: chr20-57605400-A-T.
Identifiers: ClinVar variation 680912 (VCV000680912.1), dbSNP rs370578017, ClinGen allele CA316336187.